The following is an entry in ClinVar:

NM_007129.5(ZIC2):c.195C>T (p.Gly65=)

Gene: ZIC2 (Zic family zinc finger 2; plus strand). Cytogenetic location: 13q32.3.
Variant type: single nucleotide variant.
Coding change: c.195C>T on transcript NM_007129.5 (MANE Select); coding-DNA position 195, C replaced by T.
Protein change: p.Gly65=; no amino-acid change (glycine 65 retained).
Molecular consequence: synonymous variant.
Genome position (GRCh38, 1-based): chr13:99,982,259, C>T. VCF-style: chr13-99982259-C-T. GRCh37 (hg19) VCF-style: chr13-100634513-C-T.
Identifiers: ClinVar variation 2196725 (VCV002196725.28), dbSNP rs537421827, ClinGen allele CA7032791.

ClinVar aggregate classification (germline): Likely benign. Review status: criteria provided, multiple submitters, no conflicts (2 of 4 stars). 2 submissions from 2 submitters: Likely benign (2). Last evaluated 2025-12-02.

Conditions:
Holoprosencephaly 5 (HPE5). Identifiers: Orphanet 2162, MedGen C1864827, MONDO:0012322, OMIM 609637.

Allele frequency attached by ClinVar (database versions not stated): gnomAD 0.00001; TOPMed 0.00002; ExAC 0.00013; 1000 Genomes Project 30x 0.00016; 1000 Genomes Project 0.00020.
gnomAD v4.1: 31 of 1,506,702 alleles (0.0021%); highest among the groups gnomAD compares: Middle Eastern, 0.059%; no homozygotes.

Submissions (2):

Labcorp Genetics (formerly Invitae), Labcorp
Classification: Likely benign for Holoprosencephaly 5. Last evaluated: 2025-12-02. Review status: criteria provided, single submitter. Criteria: Invitae Variant Classification Sherloc (09022015). Collection method: clinical testing. Allele origin: germline.

CeGaT Center for Human Genetics Tuebingen
Classification: Likely benign. Last evaluated: 2025-07-01. Review status: criteria provided, single submitter. Criteria: CeGaT Center For Human Genetics Tuebingen Variant Classification Criteria Version 2. Collection method: clinical testing. Allele origin: germline. Affected: yes. Observed: 2 variant alleles.
Comment: ZIC2: BP4, BP7